The following is an entry in ClinVar:

ClinVar aggregate classification (germline): Uncertain significance (1 of 4 stars; one submission).

Conditions:
LRP2-related disorder. Also called: LRP2-related condition.

gnomAD v4.1: 2 of 1,614,244 alleles (0.00012%); highest among the groups gnomAD compares: Admixed American, 0.0017%; no homozygotes.

Submission:

PreventionGenetics, part of Exact Sciences
Classification: Uncertain significance for LRP2-related condition. Last evaluated: 2026-02-04. Review status: criteria provided, single submitter. Criteria: ACMG Guidelines, 2015. Collection method: clinical testing. Allele origin: germline.
Comment: The LRP2 c.10370A>G variant is predicted to result in the amino acid substitution p.Tyr3457Cys. To our knowledge, this variant has not been reported in the literature or in a large population database (gnomAD), indicating this variant is rare. At this time, the clinical significance of this variant is uncertain due to the absence of conclusive functional and genetic evidence.

NM_004525.3(LRP2):c.10370A>G (p.Tyr3457Cys)

Gene: LRP2 (LDL receptor related protein 2; minus strand). Cytogenetic location: 2q31.1.
Variant type: single nucleotide variant.
Coding change: c.10370A>G on transcript NM_004525.3 (MANE Select); coding-DNA position 10370, A replaced by G.
Protein change: p.Tyr3457Cys; replaces tyrosine 3457 with cysteine.
Molecular consequence: missense variant.
Genome position (GRCh38, 1-based): chr2:169,177,826, T>C on the plus strand (A>G on the coding strand, the complement: LRP2 is on the minus strand). VCF-style: chr2-169177826-T-C. GRCh37 (hg19) VCF-style: chr2-170034336-T-C.
Other names: short protein forms Y3457C.
Identifiers: ClinVar variation 4995001 (VCV004995001.1).